The following is an entry in ClinVar:

ClinVar aggregate classification (germline): Likely benign. Review status: reviewed by expert panel (3 of 4 stars). 2 submissions from 2 submitters: Likely benign (1). 1 of the submissions does not count toward it. Last evaluated 2026-05-04.

Conditions:
Hereditary thrombocytopenia and hematologic cancer predisposition syndrome. Identifiers: Orphanet 71290, MedGen CN281654, MONDO:0011071.
Hereditary thrombocytopenia and hematological cancer predisposition syndrome associated with RUNX1. Also called: RUNX1 Familial Platelet Disorder with Associated Myeloid Malignancies; Familial Platelet Disorder with Propensity to Acute Myelogenous Leukemia; Familial thrombocytopenia with propensity to acute myelogenous leukemia; PLATELET DISORDER, ASPIRIN-LIKE. Identifiers: Orphanet 71290, MedGen C1832388, MeSH C563324, MONDO:0100083, OMIM 601399.

gnomAD v4.1: 1 of 1,607,674 alleles (0.000062%); highest among the groups gnomAD compares: East Asian, 0.0022%; no homozygotes.

Submissions (2):

ClinGen Myeloid Malignancy Variant Curation Expert Panel
Classification: Likely benign for Hereditary thrombocytopenia and hematologic cancer predisposition syndrome. Last evaluated: 2026-05-04. Review status: reviewed by expert panel. Criteria: ClinGen MyeloMalig ACMG Specifications V3.1. Collection method: curation. Allele origin: germline. Inheritance: Autosomal dominant inheritance.
Comment: NM_001754.5(RUNX1):c.58+12C>G is an intronic variant which is completely absent from all population databases with at least 20x coverage for RUNX1 (PM2_supporting) and has a SpliceAI score ≤ 0.20 (0.0) (BP4, BP7). In summary, this variant meets criteria to be classified as likely benign. ACMG/AMP criteria applied, as specified by the Myeloid Malignancy Variant Curation Expert Panel for RUNX1: PM2_supporting, BP4, BP7.

Labcorp Genetics (formerly Invitae), Labcorp
Classification: Likely benign for Hereditary thrombocytopenia and hematological cancer predisposition syndrome associated with RUNX1. Last evaluated: 2022-06-09. Review status: criteria provided, single submitter. Criteria: Invitae Variant Classification Sherloc (09022015). Collection method: clinical testing. Allele origin: germline. Not counted in ClinVar's aggregate classification.

NM_001754.5(RUNX1):c.58+12C>G

Gene: RUNX1 (RUNX family transcription factor 1; minus strand). Cytogenetic location: 21q22.12.
Variant type: single nucleotide variant.
Coding change: c.58+12C>G on transcript NM_001754.5 (MANE Select); 12 bases into the intron after coding-DNA position 58, C replaced by G.
Molecular consequence: intron variant.
Genome position (GRCh38, 1-based): chr21:35,048,830, G>C on the plus strand (C>G on the coding strand, the complement: RUNX1 is on the minus strand). VCF-style: chr21-35048830-G-C. GRCh37 (hg19) VCF-style: chr21-36421127-G-C.
Identifiers: ClinVar variation 1971169 (VCV001971169.8), dbSNP rs1323454260, ClinGen allele CA637749750.